The following is an entry in ClinVar:

NM_198578.4(LRRK2):c.1706C>T (p.Ser569Phe)

Gene: LRRK2 (leucine rich repeat kinase 2; plus strand). Cytogenetic location: 12q12.
Variant type: single nucleotide variant.
Coding change: c.1706C>T on transcript NM_198578.4 (MANE Select); coding-DNA position 1706, C replaced by T.
Protein change: p.Ser569Phe; replaces serine 569 with phenylalanine.
Molecular consequence: missense variant.
Genome position (GRCh38, 1-based): chr12:40,274,632, C>T. VCF-style: chr12-40274632-C-T. GRCh37 (hg19) VCF-style: chr12-40668434-C-T.
Other names: short protein forms S569F.
Identifiers: ClinVar variation 3540791 (VCV003540791.1).

ClinVar aggregate classification (germline): Uncertain significance (1 of 4 stars; one submission).

Conditions:
Inborn genetic diseases. Identifiers: MedGen C0950123, MeSH D030342.

Submission:

Ambry Genetics
Classification: Uncertain significance for Inborn genetic diseases. Last evaluated: 2024-11-16. Review status: criteria provided, single submitter. Criteria: Ambry Variant Classification Scheme 2023. Collection method: clinical testing. Allele origin: germline.
Comment: The p.S569F variant (also known as c.1706C>T), located in coding exon 15 of the LRRK2 gene, results from a C to T substitution at nucleotide position 1706. The serine at codon 569 is replaced by phenylalanine, an amino acid with highly dissimilar properties. This amino acid position is conserved. In addition, the in silico prediction for this alteration is inconclusive. Based on the available evidence, the clinical significance of this variant remains unclear.